The following is an entry in ClinVar:

ClinVar aggregate classification (germline): Uncertain significance (1 of 4 stars; one submission).

Conditions:
Inborn genetic diseases. Identifiers: MedGen C0950123, MeSH D030342.

Submission:

Ambry Genetics
Classification: Uncertain significance for Inborn genetic diseases. Last evaluated: 2024-10-23. Review status: criteria provided, single submitter. Criteria: Ambry Variant Classification Scheme 2023. Collection method: clinical testing. Allele origin: germline.
Comment: The p.Y898H variant (also known as c.2692T>C), located in coding exon 21 of the BUB1B gene, results from a T to C substitution at nucleotide position 2692. The tyrosine at codon 898 is replaced by histidine, an amino acid with similar properties. This amino acid position is conserved. In addition, this alteration is predicted to be tolerated by in silico analysis. Based on the available evidence, the clinical significance of this variant remains unclear.

NM_001211.6(BUB1B):c.2692T>C (p.Tyr898His)

Genes: BUB1B-PAK6 (BUB1B-PAK6 readthrough; plus strand), BUB1B (BUB1 mitotic checkpoint serine/threonine kinase B; plus strand). Cytogenetic location: 15q15.1.
Variant type: single nucleotide variant.
Coding change: c.2692T>C on transcript NM_001211.6 (MANE Select); coding-DNA position 2692, T replaced by C.
Protein change: p.Tyr898His; replaces tyrosine 898 with histidine.
Molecular consequence: missense variant. On other transcripts: 5 prime UTR variant (2).
Genome position (GRCh38, 1-based): chr15:40,217,509, T>C. VCF-style: chr15-40217509-T-C. GRCh37 (hg19) VCF-style: chr15-40509710-T-C.
Other names: c.-359T>C (NM_001128628.3); c.-276T>C (NM_001128629.3); short protein forms Y898H.
Identifiers: ClinVar variation 3483220 (VCV003483220.1).